The following is an entry in ClinVar:

ClinVar aggregate classification (germline): Pathogenic/Likely pathogenic. Review status: no assertion criteria provided (0 of 4 stars). 2 submissions from 2 submitters: Pathogenic (1); Likely pathogenic (1). Last evaluated 2022-06-01.

Conditions:
Hereditary spastic paraplegia 26 (SPG26). Also called: SPASTIC PARAPLEGIA 26, AUTOSOMAL RECESSIVE. Identifiers: Orphanet 101006, MedGen C1836632, MONDO:0012213, OMIM 609195.

Submissions (2):

Solve-RD Consortium
Classification: Likely pathogenic for Hereditary spastic paraplegia 26. Last evaluated: 2022-06-01. Review status: no assertion criteria provided. Collection method: provider interpretation. Allele origin: inherited. Affected: yes.
Comment: Variant confirmed as disease-causing by referring clinical team

Variant identified during reanalysis of unsolved cases by the Solve-RD project. The Solve-RD project has received funding from the European Union’s Horizon 2020 research and innovation programme under grant agreement No 779257.

OMIM
Classification: Pathogenic for SPASTIC PARAPLEGIA 26, AUTOSOMAL RECESSIVE. Last evaluated: 2013-07-11. Review status: no assertion criteria provided. Collection method: literature only. Allele origin: germline.

Literature cited by the submitters: PubMed 39825153 (cited by Solve-RD Consortium); PubMed 23746551 (cited by OMIM).

NM_001478.5(B4GALNT1):c.1298A>C (p.Asp433Ala)

Gene: B4GALNT1 (beta-1,4-N-acetyl-galactosaminyltransferase 1; minus strand). Cytogenetic location: 12q13.3.
Variant type: single nucleotide variant.
Coding change: c.1298A>C on transcript NM_001478.5 (MANE Select); coding-DNA position 1298, A replaced by C.
Protein change: p.Asp433Ala; replaces aspartic acid 433 with alanine.
Molecular consequence: missense variant.
Genome position (GRCh38, 1-based): chr12:57,627,704, T>G on the plus strand (A>C on the coding strand, the complement: B4GALNT1 is on the minus strand). VCF-style: chr12-57627704-T-G. GRCh37 (hg19) VCF-style: chr12-58021487-T-G.
Other names: B4GALNT1, ASP433ALA; c.1133A>C, p.Asp378Ala (NM_001276468.2); short protein forms D433A, D378A.
Identifiers: ClinVar variation 60527 (VCV000060527.3), dbSNP rs879255242, ClinGen allele CA10575595.
Genomic context (GRCh38, chr12:57,627,704, plus strand): 5'-GGGTCGAAACCGACCTCGCGCACCTTGTCAGTCCGCGCCAGGAAGAAGTTAACCACGCCG[T>G]CGGTGACCACGCAGCCTGGGAAGCCGACGAGCTCGTGGTGGAAGCCGCGCCTTTGCCGGA-3'
Protein context (NP_001469.1, residues 423-443): LVGFPGCVVT[Asp433Ala]GVVNFFLART